The following is an entry in ClinVar:

ClinVar aggregate classification (germline): Uncertain significance (1 of 4 stars; one submission).

Submission:

Labcorp Genetics (formerly Invitae), Labcorp
Classification: Uncertain significance. Last evaluated: 2020-02-26. Review status: criteria provided, single submitter. Criteria: Invitae Variant Classification Sherloc (09022015). Collection method: clinical testing. Allele origin: germline.
Comment: This variant, c.3788_3790del, results in the deletion of 1 amino acid(s) of the ADCY10 protein (p.His1263del), but otherwise preserves the integrity of the reading frame. This variant is present in population databases (rs765978152, ExAC 0.001%). This variant has not been reported in the literature in individuals with ADCY10-related conditions. Experimental studies and prediction algorithms are not available or were not evaluated, and the functional significance of this variant is currently unknown. In summary, the available evidence is currently insufficient to determine the role of this variant in disease. Therefore, it has been classified as a Variant of Uncertain Significance.

NM_018417.6(ADCY10):c.3782ACC[2] (p.His1263del)

Gene: ADCY10 (adenylate cyclase 10; minus strand). Cytogenetic location: 1q24.2.
Variant type: Microsatellite.
Coding change: c.3782ACC[2] on transcript NM_018417.6 (MANE Select); two copies in a row of the 3-base unit ACC starting at c.3782; the reference has three copies in a row; one copy, 3 bases deleted.
Protein change: p.His1263del; deletes histidine 1263.
Molecular consequence: inframe deletion.
Genome position (GRCh38, 1-based): chr1:167,824,816-167,824,818, GGT deleted on the plus strand (ACC on the coding strand, the reverse complement: ADCY10 is on the minus strand); deleting any 3 consecutive bases within chr1:167,824,816-167,824,824 gives the same sequence; the position shown is the placement nearest the transcript's 3' end. VCF-style (leftmost placement, unchanged base first): chr1-167824815-AGGT-A. GRCh37 (hg19) VCF-style: chr1-167794053-AGGT-A.
Other names: c.3323ACC[2], p.His1110del (NM_001167749.3); c.3506ACC[2], p.His1171del (NM_001297772.2); short protein forms H1110del, H1171del, H1263del.
Identifiers: ClinVar variation 1054642 (VCV001054642.1), dbSNP rs751558916, ClinGen allele CA1227236.
Genomic context (GRCh38, chr1:167,824,815, plus strand): 5'-TTGAAGATGTGCTCCATGGCCATGACTTCATATTTGAACCACACACCTTTGTAGCCAGCC[AGGT>A]GGTGGTATAGCGAATAGTCTAGGTAAGCCTTAATGATCTGAAATGGCAGAGTGGAGGAAG-3'